The following is an entry in ClinVar:

NM_005676.5(RBM10):c.8A>G (p.Tyr3Cys)

Gene: RBM10 (RNA binding motif protein 10; plus strand). Cytogenetic location: Xp11.3.
Variant type: single nucleotide variant.
Coding change: c.8A>G on transcript NM_005676.5 (MANE Select); coding-DNA position 8, A replaced by G.
Protein change: p.Tyr3Cys; replaces tyrosine 3 with cysteine.
Molecular consequence: missense variant.
Genome position (GRCh38, 1-based): chrX:47,147,489, A>G. VCF-style: chrX-47147489-A-G. GRCh37 (hg19) VCF-style: chrX-47006888-A-G.
Other names: c.8A>G, p.Tyr3Cys (NM_001204466.2, NM_001204467.2, NM_152856.3); c.203A>G, p.Tyr68Cys (NM_001204468.2); short protein forms Y3C, Y68C.
Identifiers: ClinVar variation 2053642 (VCV002053642.4), dbSNP rs1877750604, ClinGen allele CA412784297.

ClinVar aggregate classification (germline): Uncertain significance (1 of 4 stars; one submission).

Allele frequency attached by ClinVar (database versions not stated): gnomAD exomes 0.00001; TOPMed 0.00001.
gnomAD v4.1: 3 of 1,211,748 alleles (0.00025%); highest among the groups gnomAD compares: East Asian, 0.003%; no homozygotes.

Submission:

Labcorp Genetics (formerly Invitae), Labcorp
Classification: Uncertain significance. Last evaluated: 2022-08-15. Review status: criteria provided, single submitter. Criteria: Invitae Variant Classification Sherloc (09022015). Collection method: clinical testing. Allele origin: germline.
Comment: In summary, the available evidence is currently insufficient to determine the role of this variant in disease. Therefore, it has been classified as a Variant of Uncertain Significance. Algorithms developed to predict the effect of missense changes on protein structure and function are either unavailable or do not agree on the potential impact of this missense change (SIFT: "Tolerated"; PolyPhen-2: "Not Available"; Align-GVGD: "Class C0"). This variant has not been reported in the literature in individuals affected with RBM10-related conditions. This variant is not present in population databases (gnomAD no frequency). This sequence change replaces tyrosine, which is neutral and polar, with cysteine, which is neutral and slightly polar, at codon 3 of the RBM10 protein (p.Tyr3Cys).